The following is an entry in ClinVar:

NM_001242957.3(MAK):c.400A>G (p.Met134Val)

Gene: MAK (male germ cell associated kinase; minus strand). Cytogenetic location: 6p24.2.
Variant type: single nucleotide variant.
Coding change: c.400A>G on transcript NM_001242957.3 (MANE Select); coding-DNA position 400, A replaced by G.
Protein change: p.Met134Val; replaces methionine 134 with valine.
Molecular consequence: missense variant. On other transcripts: non-coding transcript variant (2).
Genome position (GRCh38, 1-based): chr6:10,808,901, T>C on the plus strand (A>G on the coding strand, the complement: MAK is on the minus strand). VCF-style: chr6-10808901-T-C. GRCh37 (hg19) VCF-style: chr6-10809134-T-C.
Other names: c.400A>G, p.Met134Val (NM_001242385.2, NM_005906.6); c.298A>G, p.Met100Val (NM_001377262.1); short protein forms M134V, M100V.
Identifiers: ClinVar variation 1503437 (VCV001503437.3), dbSNP rs773956623, ClinGen allele CA3633730.

ClinVar aggregate classification (germline): Uncertain significance (1 of 4 stars; one submission).

Allele frequency attached by ClinVar (database versions not stated): gnomAD exomes below 0.00001; ExAC 0.00001.

Submission:

Labcorp Genetics (formerly Invitae), Labcorp
Classification: Uncertain significance. Last evaluated: 2021-07-04. Review status: criteria provided, single submitter. Criteria: Invitae Variant Classification Sherloc (09022015). Collection method: clinical testing. Allele origin: germline.
Comment: This sequence change replaces methionine with valine at codon 134 of the MAK protein (p.Met134Val). The methionine residue is moderately conserved and there is a small physicochemical difference between methionine and valine. This variant is present in population databases (rs773956623, ExAC 0.01%). This variant has not been reported in the literature in individuals affected with MAK-related conditions. Experimental studies and prediction algorithms are not available or were not evaluated, and the functional significance of this variant is currently unknown. In summary, the available evidence is currently insufficient to determine the role of this variant in disease. Therefore, it has been classified as a Variant of Uncertain Significance.